The following is an entry in ClinVar:

NM_033004.4(NLRP1):c.3718C>T (p.Arg1240Cys)

Gene: NLRP1 (NLR family pyrin domain containing 1; minus strand). Cytogenetic location: 17p13.2.
Variant type: single nucleotide variant.
Coding change: c.3718C>T on transcript NM_033004.4 (MANE Select); coding-DNA position 3718, C replaced by T.
Protein change: p.Arg1240Cys; replaces arginine 1240 with cysteine.
Molecular consequence: missense variant.
Genome position (GRCh38, 1-based): chr17:5,521,589, G>A on the plus strand (C>T on the coding strand, the complement: NLRP1 is on the minus strand). VCF-style: chr17-5521589-G-A. GRCh37 (hg19) VCF-style: chr17-5424909-G-A.
Other names: c.3730C>T, p.Arg1244Cys (NM_001033053.3); c.3718C>T, p.Arg1240Cys (NM_014922.5); c.3628C>T, p.Arg1210Cys (NM_033006.4, NM_033007.4); short protein forms R1240C, R1244C, R1210C.
Identifiers: ClinVar variation 4779261 (VCV004779261.1).

ClinVar aggregate classification (germline): Uncertain significance (1 of 4 stars; one submission).

gnomAD v4.1: 8 of 1,613,956 alleles (0.0005%); highest among the groups gnomAD compares: Middle Eastern, 0.017%; no homozygotes.

Submission:

Labcorp Genetics (formerly Invitae), Labcorp
Classification: Uncertain significance. Last evaluated: 2025-08-04. Review status: criteria provided, single submitter. Criteria: Invitae Variant Classification Sherloc (09022015). Collection method: clinical testing. Allele origin: germline.
Comment: This sequence change replaces arginine, which is basic and polar, with cysteine, which is neutral and slightly polar, at codon 1240 of the NLRP1 protein (p.Arg1240Cys). This variant is present in population databases (no rsID available, gnomAD 0.0009%). This variant has not been reported in the literature in individuals affected with NLRP1-related conditions. An algorithm developed to predict the effect of missense changes on protein structure and function (PolyPhen-2) suggests that this variant is likely to be tolerated. In summary, the available evidence is currently insufficient to determine the role of this variant in disease. Therefore, it has been classified as a Variant of Uncertain Significance.